The following is an entry in ClinVar:

NM_015693.4(INTU):c.845A>G (p.Asn282Ser)

Gene: INTU (inturned planar cell polarity protein; plus strand). Cytogenetic location: 4q28.1.
Variant type: single nucleotide variant.
Coding change: c.845A>G on transcript NM_015693.4 (MANE Select); coding-DNA position 845, A replaced by G.
Protein change: p.Asn282Ser; replaces asparagine 282 with serine.
Molecular consequence: missense variant.
Genome position (GRCh38, 1-based): chr4:127,663,457, A>G. VCF-style: chr4-127663457-A-G. GRCh37 (hg19) VCF-style: chr4-128584612-A-G.
Other names: short protein forms N282S.
Identifiers: ClinVar variation 4746673 (VCV004746673.1).

ClinVar aggregate classification (germline): Uncertain significance (1 of 4 stars; one submission).

gnomAD v4.1: 2 of 1,613,556 alleles (0.00012%); highest among the groups gnomAD compares: Non-Finnish European, 0.00017%; no homozygotes.

Submission:

Labcorp Genetics (formerly Invitae), Labcorp
Classification: Uncertain significance. Last evaluated: 2025-06-24. Review status: criteria provided, single submitter. Criteria: Invitae Variant Classification Sherloc (09022015). Collection method: clinical testing. Allele origin: germline.
Comment: This sequence change replaces asparagine, which is neutral and polar, with serine, which is neutral and polar, at codon 282 of the INTU protein (p.Asn282Ser). The frequency data for this variant in the population databases is considered unreliable, as metrics indicate poor data quality at this position in the gnomAD database. This variant has not been reported in the literature in individuals affected with INTU-related conditions. Invitae Evidence Modeling of protein sequence and biophysical properties (such as structural, functional, and spatial information, amino acid conservation, physicochemical variation, residue mobility, and thermodynamic stability) indicates that this missense variant is not expected to disrupt INTU protein function with a negative predictive value of 80%. In summary, the available evidence is currently insufficient to determine the role of this variant in disease. Therefore, it has been classified as a Variant of Uncertain Significance.